The following is an entry in ClinVar:

NM_001267550.2(TTN):c.6668A>T (p.His2223Leu)

Gene: TTN (titin; minus strand). Cytogenetic location: 2q31.2.
Variant type: single nucleotide variant.
Coding change: c.6668A>T on transcript NM_001267550.2 (MANE Select); coding-DNA position 6668, A replaced by T.
Protein change: p.His2223Leu; replaces histidine 2223 with leucine.
Molecular consequence: missense variant.
Genome position (GRCh38, 1-based): chr2:178,775,043, T>A on the plus strand (A>T on the coding strand, the complement: TTN is on the minus strand). VCF-style: chr2-178775043-T-A. GRCh37 (hg19) VCF-style: chr2-179639770-T-A.
Other names: p.H2223L:CAC>CTC; c.6668A>T, p.His2223Leu (NM_001256850.1, NM_133378.4, NM_133379.5); c.6530A>T, p.His2177Leu (NM_003319.4, NM_133432.3, NM_133437.4); short protein forms H2223L, H2177L.
Identifiers: ClinVar variation 192075 (VCV000192075.22), dbSNP rs372979075, ClinGen allele CA302549.
Genomic context (GRCh38, chr2:178,775,043, plus strand): 5'-TCTTCAGCATCAGACGTATCAATGGTCAGTATGGAGAGGAAGTGAACCTTTCTGTCAGAG[T>A]GCATCCTGTATTTATCTCCCTCATGAACCTCCATACCATCTTTATACCATTTCACTTTGA-3'
Protein context (NP_001254479.2, residues 2213-2233): EVHEGDKYRM[His2223Leu]SDRKVHFLSI

ClinVar aggregate classification (germline): Conflicting classifications of pathogenicity. Review status: criteria provided, conflicting classifications (1 of 4 stars). 13 submissions from 13 submitters: Uncertain significance (6); Benign (1); Likely benign (4). 2 of the submissions do not count toward it. Last evaluated 2026-07-30.

Conditions:
TTN-related disorder. Also called: TTN-related condition; TTN-related disease; TTN-related disorders.
Dilated cardiomyopathy 1G (CMD1G). Identifiers: Orphanet 154, MedGen C1858763, MONDO:0011400, OMIM 604145.
Autosomal recessive limb-girdle muscular dystrophy type 2J (LGMDR10). Also called: Limb-girdle muscular dystrophy, type 2J; MUSCULAR DYSTROPHY, LIMB-GIRDLE, AUTOSOMAL RECESSIVE 10. Identifiers: Orphanet 140922, MedGen C1837342, MONDO:0012127, OMIM 608807.
Cardiovascular phenotype. Identifiers: MedGen CN230736.
Tibial muscular dystrophy (TMD). Also called: Udd Distal Myopathy – Tibial Muscular Dystrophy; UDD MYOPATHY; Tibial muscular dystrophy, tardive. Identifiers: Orphanet 609, MedGen C1838244, MONDO:0010870, OMIM 600334.
Myopathy, myofibrillar, 9, with early respiratory failure (MFM9). Also called: Hereditary myopathy with early respiratory failure; EDSTROM MYOPATHY; MYOPATHY, PROXIMAL, WITH EARLY RESPIRATORY MUSCLE INVOLVEMENT; Myopathy, distal, with early respiratory failure, autosomal dominant. Identifiers: Orphanet 178464, Orphanet 34521, MedGen C1863599, MONDO:0011362, OMIM 603689.
Hypertrophic cardiomyopathy 9. Also called: Familial hypertrophic cardiomyopathy 9. Identifiers: MedGen C1861065, MONDO:0013412, OMIM 613765.
Early-onset myopathy with fatal cardiomyopathy (CMYO5). Also called: CONGENITAL MYOPATHY 5 WITH CARDIOMYOPATHY; Salih Myopathy. Identifiers: Orphanet 289377, MedGen C2673677, MONDO:0012714, OMIM 611705. Disease mechanism: loss of function.
Cardiomyopathy (CMYO). Also called: Cardiomyopathies. Identifiers: Orphanet 167848, MedGen C0878544, MONDO:0004994, HP:0001638. Inheritance: Various modes of inheritance.
Hypertrophic cardiomyopathy. Also called: HYPERTROPHIC MYOCARDIOPATHY. Identifiers: Orphanet 217569, MedGen C0007194, MeSH D002312, MONDO:0005045, HP:0001639.

Allele frequency attached by ClinVar (database versions not stated): TOPMed 0.00002; gnomAD 0.00003 and 0.00005; gnomAD exomes 0.00007; ExAC 0.00008; 1000 Genomes Project 30x 0.00031; 1000 Genomes Project 0.00040.
gnomAD v4.1: 38 of 1,614,026 alleles (0.0024%); highest among the groups gnomAD compares: East Asian, 0.045%; no homozygotes.

Submissions (13):

PreventionGenetics, part of Exact Sciences
Classification: Uncertain significance for TTN-related condition. Last evaluated: 2026-07-30. Review status: criteria provided, single submitter. Criteria: ACMG Guidelines, 2015. Collection method: clinical testing. Allele origin: germline.
Comment: The TTN c.6668A>T variant is predicted to result in the amino acid substitution p.His2223Leu. This variant has been reported in individuals with dilated cardiomyopathy or sudden unexplained death (Table S3, Mazzarotto et al. 2020. PubMed ID: 31983221; Ittiwut et al. 2022. PubMed ID: 35934244). This variant is reported in 0.065% of alleles in individuals of East Asian descent in gnomAD. Although we suspect that this variant may be benign, at this time, the clinical significance of this variant is uncertain due to the absence of conclusive functional and genetic evidence.

Molecular Diagnostic Laboratory for Inherited Cardiovascular Disease, Montreal Heart Institute
Classification: Likely benign. Last evaluated: 2025-04-09. Review status: criteria provided, single submitter. Criteria: ACMG Guidelines, 2015. Collection method: clinical testing. Allele origin: germline. Affected: no.

Revvity Omics, Revvity
Classification: Uncertain significance. Last evaluated: 2024-10-09. Review status: criteria provided, single submitter. Criteria: ACMG Guidelines, 2015. Collection method: clinical testing. Allele origin: germline.

Blueprint Genetics
Classification: Likely benign. Last evaluated: 2024-09-13. Review status: criteria provided, single submitter. Criteria: ACMG Guidelines, 2015. Collection method: clinical testing. Allele origin: germline.

CHEO Genetics Diagnostic Laboratory, Children's Hospital of Eastern Ontario
Classification: Benign for Cardiomyopathy. Last evaluated: 2022-05-06. Review status: criteria provided, single submitter. Criteria: ACMG Guidelines, 2015. Collection method: clinical testing. Allele origin: germline.

GeneDx
Classification: Likely benign. Last evaluated: 2020-07-16. Review status: criteria provided, single submitter. Criteria: GeneDx Variant Classification Process June 2021. Collection method: clinical testing. Allele origin: germline. Affected: yes.
Comment: This variant is associated with the following publications: (PMID: 31983221)

Fulgent Genetics
Classification: Uncertain significance for Tibial muscular dystrophy; Myopathy, myofibrillar, 9, with early respiratory failure; Dilated cardiomyopathy 1G; Autosomal recessive limb-girdle muscular dystrophy type 2J; Early-onset myopathy with fatal cardiomyopathy; Hypertrophic cardiomyopathy 9. Last evaluated: 2018-10-31. Review status: criteria provided, single submitter. Criteria: ACMG Guidelines, 2015. Collection method: clinical testing. Allele origin: unknown.

Labcorp Genetics (formerly Invitae), Labcorp
Classification: Uncertain significance for Dilated cardiomyopathy 1G; Autosomal recessive limb-girdle muscular dystrophy type 2J. Last evaluated: 2017-12-28. Review status: criteria provided, single submitter. Criteria: Invitae Variant Classification Sherloc (09022015). Collection method: clinical testing. Allele origin: germline.

Ambry Genetics
Classification: Uncertain significance for Cardiovascular phenotype. Last evaluated: 2017-07-19. Review status: criteria provided, single submitter. Criteria: Ambry Variant Classification Scheme 2023. Collection method: clinical testing. Allele origin: germline.
Comment: The p.H2177L variant (also known as c.6530A>T), located in coding exon 27 of the TTN gene, results from an A to T substitution at nucleotide position 6530. The histidine at codon 2177 is replaced by leucine, an amino acid with similar properties. This alteration has been reported as a secondary cardiac variant in an exome cohort (Ng D et al. Circ Cardiovasc Genet, 2013 Aug;6:337-46 (reported as p.H2223L, c.6668A>T)). This amino acid position is highly conserved in available vertebrate species; however, leucine is the reference amino acid in other vertebrate species. In addition, this alteration is predicted to be tolerated by in silico analysis. Since supporting evidence is limited at this time, the clinical significance of this alteration remains unclear.

Center for Advanced Laboratory Medicine, UC San Diego Health, University of California San Diego
Classification: Likely benign for Hypertrophic cardiomyopathy. Last evaluated: 2017-07-06. Review status: criteria provided, single submitter. Criteria: ACMG Guidelines, 2015. Collection method: clinical testing. Allele origin: germline. Affected: yes. Observed: 2 variant alleles.

Biesecker Lab/Clinical Genomics Section, National Institutes of Health
Classification: Uncertain significance. Last evaluated: 2013-06-24. Review status: criteria provided, single submitter. Criteria: Ng et al. (Circ Cardiovasc Genet. 2013). Collection method: research. Allele origin: unknown. Observed: 1 variant allele. Study: ClinSeq.
Comment: The study set was not selected for affection status in relation to any cancer. Pathogenicity categories were based on literature curation. See Pubmed ID:23861362 for details.

Medical sequencing

Clinical Genetics DNA and cytogenetics Diagnostics Lab, Erasmus MC, Erasmus Medical Center
Classification: Uncertain significance. Review status: no assertion criteria provided. Collection method: clinical testing. Allele origin: germline. Affected: yes. Study: VKGL Data-share Consensus. Not counted in ClinVar's aggregate classification.

Clinical Genetics, Academic Medical Center
Classification: Uncertain significance. Review status: no assertion criteria provided. Collection method: clinical testing. Allele origin: germline. Affected: yes. Study: VKGL Data-share Consensus. Not counted in ClinVar's aggregate classification.

Literature cited by the submitters: PubMed 23861362 (cited by Ambry Genetics).